The following is an entry in ClinVar:

NM_007294.4(BRCA1):c.80+3011C>T

Gene: BRCA1 (BRCA1 DNA repair associated; minus strand). Cytogenetic location: 17q21.31.
Variant type: single nucleotide variant.
Coding change: c.80+3011C>T on transcript NM_007294.4 (MANE Select); 3011 bases into the intron after coding-DNA position 80, C replaced by T.
Molecular consequence: intron variant.
Genome position (GRCh38, 1-based): chr17:43,121,006, G>A on the plus strand (C>T on the coding strand, the complement: BRCA1 is on the minus strand). VCF-style: chr17-43121006-G-A. GRCh37 (hg19) VCF-style: chr17-41273023-G-A.
Other names: IVS 2+3011C>T; c.-61-5227C>T (NM_001408458.1); c.-219+4271C>T (NM_001407967.1); c.-170+4271C>T (NM_001407959.1); c.-8+4271C>T (NM_001407931.1, NM_001407747.1); c.-224+4271C>T (NM_001407962.1, NM_001408512.1, NM_001408510.1); c.-109+4271C>T (NM_001407885.1); c.-62+4271C>T (NM_001408470.1, NM_001407848.1, NM_001407839.1 and 6 more transcripts); and 23 more.
Identifiers: ClinVar variation 209558 (VCV000209558.2), dbSNP rs112674337, ClinGen allele CA276527.

ClinVar aggregate classification (germline): Benign (3 of 4 stars; one submission).

Conditions:
Breast-ovarian cancer, familial, susceptibility to, 1 (BROVCA1). Also called: BRCA1 Hereditary Breast and Ovarian Cancer; OVARIAN CANCER, SUSCEPTIBILITY TO. Identifiers: Orphanet 145, MedGen C2676676, MONDO:0011450, OMIM 604370. Disease mechanism: loss of function.

Allele frequency attached by ClinVar (database versions not stated): gnomAD 0.01430 and 0.01445; 1000 Genomes Project 0.01558; 1000 Genomes Project 30x 0.01577; TOPMed 0.01626.
gnomAD v4.1: 2,111 of 147,442 alleles (1.4%); highest among the groups gnomAD compares: African/African-American, 5%; 53 homozygotes.

Submission:

Evidence-based Network for the Interpretation of Germline Mutant Alleles (ENIGMA)
Classification: Benign for Breast-ovarian cancer, familial 1. Last evaluated: 2015-01-12. Review status: reviewed by expert panel. Criteria: ENIGMA BRCA1/2 Classification Criteria (2015). Collection method: curation. Allele origin: germline.
Comment: Class 1 not pathogenic based on frequency >1% in an outbred sampleset. Frequency 0.08537 (African), derived from 1000 genomes (2012-04-30).